The following is an entry in ClinVar:

NM_001040108.2(MLH3):c.4274T>C (p.Met1425Thr)

Gene: MLH3 (mutL homolog 3; minus strand). Cytogenetic location: 14q24.3.
Variant type: single nucleotide variant.
Coding change: c.4274T>C on transcript NM_001040108.2 (MANE Select); coding-DNA position 4274, T replaced by C.
Protein change: p.Met1425Thr; replaces methionine 1425 with threonine.
Molecular consequence: missense variant.
Genome position (GRCh38, 1-based): chr14:75,017,170, A>G on the plus strand (T>C on the coding strand, the complement: MLH3 is on the minus strand). VCF-style: chr14-75017170-A-G. GRCh37 (hg19) VCF-style: chr14-75483873-A-G.
Other names: c.4202T>C, p.Met1401Thr (NM_014381.3); short protein forms M1425T, M1401T.
Identifiers: ClinVar variation 1739281 (VCV001739281.4), dbSNP rs759447737, ClinGen allele CA7275165.

ClinVar aggregate classification (germline): Uncertain significance. Review status: criteria provided, multiple submitters, no conflicts (2 of 4 stars). 2 submissions from 2 submitters: Uncertain significance (2). Last evaluated 2025-12-22.

Conditions:
Colorectal cancer, hereditary nonpolyposis, type 7. Identifiers: Orphanet 144, MedGen C1858380, MONDO:0013725, OMIM 614385.

Allele frequency attached by ClinVar (database versions not stated): TOPMed below 0.00001; ExAC 0.00002; gnomAD exomes 0.00001.

Submissions (2):

Labcorp Genetics (formerly Invitae), Labcorp
Classification: Uncertain significance for Colorectal cancer, hereditary nonpolyposis, type 7. Last evaluated: 2025-12-22. Review status: criteria provided, single submitter. Criteria: Invitae Variant Classification Sherloc (09022015). Collection method: clinical testing. Allele origin: germline.
Comment: This sequence change replaces methionine, which is neutral and non-polar, with threonine, which is neutral and polar, at codon 1425 of the MLH3 protein (p.Met1425Thr). This variant is present in population databases (rs759447737, gnomAD 0.006%). This variant has not been reported in the literature in individuals affected with MLH3-related conditions. ClinVar contains an entry for this variant (Variation ID: 1739281). An algorithm developed to predict the effect of missense changes on protein structure and function (PolyPhen-2) suggests that this variant is likely to be disruptive. In summary, the available evidence is currently insufficient to determine the role of this variant in disease. Therefore, it has been classified as a Variant of Uncertain Significance.

Ambry Genetics
Classification: Uncertain significance. Last evaluated: 2024-09-10. Review status: criteria provided, single submitter. Criteria: Ambry Variant Classification Scheme 2023. Collection method: clinical testing. Allele origin: germline.
Comment: The p.M1425T variant (also known as c.4274T>C), located in coding exon 12 of the MLH3 gene, results from a T to C substitution at nucleotide position 4274. The methionine at codon 1425 is replaced by threonine, an amino acid with similar properties. This amino acid position is conserved. In addition, the in silico prediction for this alteration is inconclusive. Since supporting evidence is limited at this time, the clinical significance of this alteration remains unclear.